The following is an entry in ClinVar:

ClinVar aggregate classification (germline): Conflicting classifications of pathogenicity. Review status: criteria provided, conflicting classifications (1 of 4 stars). 3 submissions from 3 submitters: Uncertain significance (1); Likely benign (2). Last evaluated 2024-06-09.

Conditions:
Marfan syndrome (MFS). Also called: Marfan syndrome, classic; MARFAN SYNDROME, TYPE I; Marfan syndrome type 1; Marfan's syndrome; FBN1-Related Marfan Syndrome. Identifiers: Orphanet 284963, Orphanet 558, MedGen C0024796, MONDO:0007947, OMIM 154700.
Familial thoracic aortic aneurysm and aortic dissection (TAAD). Also called: Thoracic aortic aneurysms and dissections. Identifiers: Orphanet 91387, MedGen C4707243, MONDO:0019625.

Allele frequency attached by ClinVar (database versions not stated): gnomAD exomes below 0.00001 and 0.00002.

Submissions (3):

All of Us Research Program, National Institutes of Health
Classification: Likely benign for Marfan syndrome. Last evaluated: 2024-06-09. Review status: criteria provided, single submitter. Criteria: ACMG Guidelines, 2015. Collection method: clinical testing. Allele origin: germline. Inheritance: Autosomal dominant inheritance. Observed: 1 variant allele, 1 heterozygote.
Comment: This study involves interpretation of variants in research participants for the purpose of population health screening. Participant phenotype was not available at the time of variant classification. Additional details can be found in publication PMID: 35346344, PMCID: PMC8962531

Blueprint Genetics
Classification: Uncertain significance. Last evaluated: 2021-12-29. Review status: criteria provided, single submitter. Criteria: ACMG Guidelines, 2015. Collection method: clinical testing. Allele origin: germline.

Labcorp Genetics (formerly Invitae), Labcorp
Classification: Likely benign for Marfan syndrome; Familial thoracic aortic aneurysm and aortic dissection. Last evaluated: 2020-11-01. Review status: criteria provided, single submitter. Criteria: Invitae Variant Classification Sherloc (09022015). Collection method: clinical testing. Allele origin: germline.

NM_000138.5(FBN1):c.2729-7T>C

Gene: FBN1 (fibrillin 1; minus strand). Cytogenetic location: 15q21.1.
Variant type: single nucleotide variant.
Coding change: c.2729-7T>C on transcript NM_000138.5 (MANE Select); 7 bases into the intron before coding-DNA position 2729, T replaced by C.
Molecular consequence: intron variant.
Genome position (GRCh38, 1-based): chr15:48,492,593, A>G on the plus strand (T>C on the coding strand, the complement: FBN1 is on the minus strand). VCF-style: chr15-48492593-A-G. GRCh37 (hg19) VCF-style: chr15-48784790-A-G.
Identifiers: ClinVar variation 1583916 (VCV001583916.10), dbSNP rs1269178652, ClinGen allele CA617836746.